The following is an entry in ClinVar:

ClinVar aggregate classification (germline): Uncertain significance (1 of 4 stars; one submission).

Allele frequency attached by ClinVar (database versions not stated): gnomAD exomes below 0.00001.
gnomAD v4.1: 1 of 1,613,422 alleles (0.000062%); highest among the groups gnomAD compares: Non-Finnish European, 0.000085%; no homozygotes.

Submission:

Labcorp Genetics (formerly Invitae), Labcorp
Classification: Uncertain significance. Last evaluated: 2024-07-29. Review status: criteria provided, single submitter. Criteria: Invitae Variant Classification Sherloc (09022015). Collection method: clinical testing. Allele origin: germline.
Comment: This sequence change replaces tryptophan, which is neutral and slightly polar, with arginine, which is basic and polar, at codon 32 of the DDX58 protein (p.Trp32Arg). This variant is not present in population databases (gnomAD no frequency). This variant has not been reported in the literature in individuals affected with DDX58-related conditions. An algorithm developed to predict the effect of missense changes on protein structure and function (PolyPhen-2) suggests that this variant is likely to be disruptive. In summary, the available evidence is currently insufficient to determine the role of this variant in disease. Therefore, it has been classified as a Variant of Uncertain Significance.

NM_014314.4(RIGI):c.94T>C (p.Trp32Arg)

Gene: RIGI (RNA sensor RIG-I; minus strand). Cytogenetic location: 9p21.1.
Variant type: single nucleotide variant.
Coding change: c.94T>C on transcript NM_014314.4 (MANE Select); coding-DNA position 94, T replaced by C.
Protein change: p.Trp32Arg; replaces tryptophan 32 with arginine.
Molecular consequence: missense variant. On other transcripts: 5 prime UTR variant (3).
Genome position (GRCh38, 1-based): chr9:32,526,073, A>G on the plus strand (T>C on the coding strand, the complement: RIGI is on the minus strand). VCF-style: chr9-32526073-A-G. GRCh37 (hg19) VCF-style: chr9-32526071-A-G.
Other names: c.94T>C, p.Trp32Arg (NM_001385907.1, NM_001385909.1, NM_001385913.1); c.-361T>C (NM_001385910.1, NM_001385914.1); c.-368T>C (NM_001385912.1); short protein forms W32R.
Identifiers: ClinVar variation 3007170 (VCV003007170.3), dbSNP rs2489411061, ClinGen allele CA373150730.
Genomic context (GRCh38, chr9:32,526,073, plus strand): 5'-AAGTCCTCAATTGTTTTCCGCCGAGAAGGCGCCGCTGGAGACACTCACCCTCCCTAAACC[A>G]GGGGGCCATGTAGCTCAGGATGTAGGTAGGGTCCAGGGTCTTCCGGATATAATCCTGGAA-3'
Protein context (NP_055129.2, residues 22-42): PTYILSYMAP[Trp32Arg]FREEEVQYIQ